The following is an entry in ClinVar:

NM_014915.3(ANKRD26):c.3536A>G (p.Gln1179Arg)

Gene: ANKRD26 (ankyrin repeat domain containing 26; minus strand). Cytogenetic location: 10p12.1.
Variant type: single nucleotide variant.
Coding change: c.3536A>G on transcript NM_014915.3 (MANE Select); coding-DNA position 3536, A replaced by G.
Protein change: p.Gln1179Arg; replaces glutamine 1179 with arginine.
Molecular consequence: missense variant.
Genome position (GRCh38, 1-based): chr10:27,034,914, T>C on the plus strand (A>G on the coding strand, the complement: ANKRD26 is on the minus strand). VCF-style: chr10-27034914-T-C. GRCh37 (hg19) VCF-style: chr10-27323843-T-C.
Other names: c.3533A>G, p.Gln1178Arg (NM_001256053.2); short protein forms Q1178R, Q1179R.
Identifiers: ClinVar variation 3870321 (VCV003870321.1).

ClinVar aggregate classification (germline): Uncertain significance (1 of 4 stars; one submission).

Conditions:
Inborn genetic diseases. Identifiers: MedGen C0950123, MeSH D030342.

Submission:

Ambry Genetics
Classification: Uncertain significance for Inborn genetic diseases. Last evaluated: 2025-01-11. Review status: criteria provided, single submitter. Criteria: Ambry Variant Classification Scheme 2023. Collection method: clinical testing. Allele origin: germline.
Comment: The p.Q1179R variant (also known as c.3536A>G), located in coding exon 24 of the ANKRD26 gene, results from an A to G substitution at nucleotide position 3536. The glutamine at codon 1179 is replaced by arginine, an amino acid with highly similar properties. This amino acid position is conserved. In addition, this alteration is predicted to be tolerated by in silico analysis. Based on the available evidence, the clinical significance of this variant remains unclear.